The following is an entry in ClinVar:

NM_001987.5(ETV6):c.178T>G (p.Tyr60Asp)

Genes: ETV6 (ETS variant transcription factor 6; plus strand), LOC126861451 (BRD4-independent group 4 enhancer GRCh37_chr12:11991350-11992549; plus strand). Cytogenetic location: 12p13.2.
Variant type: single nucleotide variant.
Coding change: c.178T>G on transcript NM_001987.5 (MANE Select); coding-DNA position 178, T replaced by G.
Protein change: p.Tyr60Asp; replaces tyrosine 60 with aspartic acid.
Molecular consequence: missense variant. On other transcripts: 5 prime UTR variant (1).
Genome position (GRCh38, 1-based): chr12:11,839,154, T>G. VCF-style: chr12-11839154-T-G. GRCh37 (hg19) VCF-style: chr12-11992088-T-G.
Other names: c.175T>G, p.Tyr59Asp (NM_001413913.1); c.151T>G, p.Tyr51Asp (NM_001413914.1); c.-87T>G (NM_001413915.1); c.178T>G, p.Tyr60Asp (NM_001413916.1, NM_001413917.1, NM_001413918.1); short protein forms Y51D, Y59D, Y60D.
Identifiers: ClinVar variation 3361055 (VCV003361055.3).

ClinVar aggregate classification (germline): Uncertain significance. Review status: criteria provided, multiple submitters, no conflicts (2 of 4 stars). 2 submissions from 2 submitters: Uncertain significance (2). Last evaluated 2025-12-20.

Conditions:
Inborn genetic diseases. Identifiers: MedGen C0950123, MeSH D030342.

Submissions (2):

Ambry Genetics
Classification: Uncertain significance for Inborn genetic diseases. Last evaluated: 2025-12-20. Review status: criteria provided, single submitter. Criteria: Ambry Variant Classification Scheme 2023. Collection method: clinical testing. Allele origin: germline.
Comment: The p.Y60D variant (also known as c.178T>G), located in coding exon 3 of the ETV6 gene, results from a T to G substitution at nucleotide position 178. The tyrosine at codon 60 is replaced by aspartic acid, an amino acid with highly dissimilar properties. This amino acid position is conserved. In addition, this alteration is predicted to be tolerated by in silico analysis. Based on the available evidence, the clinical significance of this variant remains unclear.

GeneDx
Classification: Uncertain significance. Last evaluated: 2023-07-13. Review status: criteria provided, single submitter. Criteria: GeneDx Variant Classification Process June 2021. Collection method: clinical testing. Allele origin: germline. Affected: yes.
Comment: Not observed at significant frequency in large population cohorts (gnomAD); In silico analysis supports that this missense variant has a deleterious effect on protein structure/function; Has not been previously published as pathogenic or benign to our knowledge; This variant is associated with the following publications: (PMID: 28555414, 28637624)